The following is an entry in ClinVar:

ClinVar aggregate classification (germline): Uncertain significance (1 of 4 stars; one submission).

Conditions:
DYRK1B-related disorder. Also called: DYRK1B-related condition.

gnomAD v4.1: 8 of 1,612,274 alleles (0.0005%); highest among the groups gnomAD compares: Non-Finnish European, 0.00068%; no homozygotes.

Submission:

PreventionGenetics, part of Exact Sciences
Classification: Uncertain significance for DYRK1B-related condition. Last evaluated: 2025-06-25. Review status: criteria provided, single submitter. Criteria: ACMG Guidelines, 2015. Collection method: clinical testing. Allele origin: germline.
Comment: The DYRK1B c.964A>G variant is predicted to result in the amino acid substitution p.Met322Val. This variant was reported in an individual with dyslipidemia (Table S4, Dron et al. 2020. PubMed ID: 32041611). This variant is reported in 0.00088% of alleles in individuals of European (Non-Finnish) descent in gnomAD. At this time, the clinical significance of this variant is uncertain due to the absence of conclusive functional and genetic evidence.

NM_004714.3(DYRK1B):c.964A>G (p.Met322Val)

Gene: DYRK1B (dual specificity tyrosine phosphorylation regulated kinase 1B; minus strand). Cytogenetic location: 19q13.2.
Variant type: single nucleotide variant.
Coding change: c.964A>G on transcript NM_004714.3 (MANE Select); coding-DNA position 964, A replaced by G.
Protein change: p.Met322Val; replaces methionine 322 with valine.
Molecular consequence: missense variant.
Genome position (GRCh38, 1-based): chr19:39,827,416, T>C on the plus strand (A>G on the coding strand, the complement: DYRK1B is on the minus strand). VCF-style: chr19-39827416-T-C. GRCh37 (hg19) VCF-style: chr19-40318056-T-C.
Other names: c.964A>G, p.Met322Val (NM_006483.3, NM_006484.3); short protein forms M322V.
Identifiers: ClinVar variation 4984272 (VCV004984272.1).
Genomic context (GRCh38, chr19:39,827,416, plus strand): 5'-TGGGCGCCTGGTCCAGCATGGCGGCCGGTGGGATGCCCAGCACCTCCACAATGCGGTTCA[T>C]CTGGTCGACCTGTGAGCAGGCAGGGGTCAAGGTCATCAGGCCAGCCAGGCTCCACCCCCT-3'
Protein context (NP_004705.1, residues 312-332): LFSGSNEVDQ[Met322Val]NRIVEVLGIP